The following is an entry in ClinVar:

ClinVar aggregate classification (germline): Conflicting classifications of pathogenicity. Review status: criteria provided, conflicting classifications (1 of 4 stars). 4 submissions from 4 submitters: Uncertain significance (3); Likely benign (1). Last evaluated 2024-12-26.

Conditions:
Cardiac arrhythmia, ankyrin-B-related. Also called: ANKYRIN-B SYNDROME. Identifiers: Orphanet 101016, Orphanet 768, MedGen C1970119, MONDO:0010958, OMIM 600919.
Long QT syndrome (LQTS). Identifiers: MedGen C0023976, MeSH D008133, MONDO:0002442. Disease mechanism: loss of function. Inheritance: Various modes of inheritance.
Cardiovascular phenotype. Identifiers: MedGen CN230736.

Allele frequency attached by ClinVar (database versions not stated): gnomAD exomes 0.00001 and 0.00002; ExAC 0.00003; TOPMed 0.00007; ESP Exome Variant Server 0.00008; gnomAD 0.00013 and 0.00014.
gnomAD v4.1: 37 of 1,613,224 alleles (0.0023%); highest among the groups gnomAD compares: African/African-American, 0.048%; no homozygotes.

Submissions (4):

Labcorp Genetics (formerly Invitae), Labcorp
Classification: Uncertain significance for Long QT syndrome. Last evaluated: 2024-12-26. Review status: criteria provided, single submitter. Criteria: Invitae Variant Classification Sherloc (09022015). Collection method: clinical testing. Allele origin: germline.
Comment: This sequence change replaces glutamine, which is neutral and polar, with glutamic acid, which is acidic and polar, at codon 704 of the ANK2 protein (p.Gln704Glu). This variant is present in population databases (rs139197937, gnomAD 0.04%). This variant has not been reported in the literature in individuals affected with ANK2-related conditions. ClinVar contains an entry for this variant (Variation ID: 191399). Invitae Evidence Modeling of protein sequence and biophysical properties (such as structural, functional, and spatial information, amino acid conservation, physicochemical variation, residue mobility, and thermodynamic stability) has been performed for this missense variant. However, the output from this modeling did not meet the statistical confidence thresholds required to predict the impact of this variant on ANK2 protein function. In summary, the available evidence is currently insufficient to determine the role of this variant in disease. Therefore, it has been classified as a Variant of Uncertain Significance.

Ambry Genetics
Classification: Likely benign for Cardiovascular phenotype. Last evaluated: 2023-08-23. Review status: criteria provided, single submitter. Criteria: Ambry Variant Classification Scheme 2023. Collection method: clinical testing. Allele origin: germline.

Fulgent Genetics
Classification: Uncertain significance for Cardiac arrhythmia, ankyrin-B-related. Last evaluated: 2021-08-11. Review status: criteria provided, single submitter. Criteria: ACMG Guidelines, 2015. Collection method: clinical testing. Allele origin: unknown.

Biesecker Lab/Clinical Genomics Section, National Institutes of Health
Classification: Uncertain significance. Last evaluated: 2013-06-24. Review status: criteria provided, single submitter. Criteria: Ng et al. (Circ Cardiovasc Genet. 2013). Collection method: research. Allele origin: unknown. Observed: 1 variant allele. Study: ClinSeq.
Comment: The study set was not selected for affection status in relation to any cancer. Pathogenicity categories were based on literature curation. See Pubmed ID:23861362 for details.

Medical sequencing

Literature cited by the submitters: PubMed 28750076 (cited by Ambry Genetics).

NM_001148.6(ANK2):c.2110C>G (p.Gln704Glu)

Gene: ANK2 (ankyrin 2; plus strand). Cytogenetic location: 4q26.
Variant type: single nucleotide variant.
Coding change: c.2110C>G on transcript NM_001148.6 (MANE Select); coding-DNA position 2110, C replaced by G.
Protein change: p.Gln704Glu; replaces glutamine 704 with glutamic acid.
Molecular consequence: missense variant.
Genome position (GRCh38, 1-based): chr4:113,287,635, C>G. VCF-style: chr4-113287635-C-G. GRCh37 (hg19) VCF-style: chr4-114208791-C-G.
Other names: c.2047C>G, p.Gln683Glu (NM_001127493.3, NM_001354239.2, NM_001354243.2 and 10 more transcripts); c.2110C>G, p.Gln704Glu (NM_001354225.2, NM_001354228.2, NM_001354232.2 and 6 more transcripts); c.2155C>G, p.Gln719Glu (NM_001354230.2, NM_001354231.2, NM_001354237.2 and 5 more transcripts); c.2011C>G, p.Gln671Glu (NM_001354245.2, NM_001354268.2); c.2023C>G, p.Gln675Glu (NM_001354249.2, NM_001354264.2, NM_001354266.2 and 10 more transcripts); c.1948C>G, p.Gln650Glu (NM_001354253.2, NM_001354257.2, NM_001354270.2 and 1 more transcripts); c.1924C>G, p.Gln642Glu (NM_001354260.2, NM_001354271.2, NM_001386151.1); c.2068C>G, p.Gln690Glu (NM_001354261.2, NM_001386147.1, NM_001386160.1); and 8 more; short protein forms Q683E, Q704E, Q609E, Q638E, Q642E, Q671E, Q719E, Q634E.
Identifiers: ClinVar variation 191399 (VCV000191399.11), dbSNP rs139197937, ClinGen allele CA236521.
Genomic context (GRCh38, chr4:113,287,635, plus strand): 5'-TGTATCCCTTTGGTTCCATTCTTTCTGTAGAGTGGACTCACATCCTTACACCTTGCAGCC[C>G]AGGAAGATAAAGTGAATGTTGCTGATATTCTCACCAAGCATGGAGCTGATCAGGATGCTC-3'
Protein context (NP_001139.3, residues 694-714): SGLTSLHLAA[Gln704Glu]EDKVNVADIL